The following is an entry in ClinVar:

ClinVar aggregate classification (germline): Uncertain significance (1 of 4 stars; one submission).

Submission:

GeneDx
Classification: Uncertain significance. Last evaluated: 2026-09-11. Review status: criteria provided, single submitter. Criteria: GeneDx Variant Classification Process June 2021. Collection method: clinical testing. Allele origin: germline.
Comment: Not observed at significant frequency in large population cohorts (gnomAD); In silico analysis suggests that this missense variant does not alter protein structure/function; Has not been previously published as pathogenic or benign to our knowledge

NM_001197104.2(KMT2A):c.605C>T (p.Ser202Leu)

Gene: KMT2A (lysine methyltransferase 2A; plus strand). Cytogenetic location: 11q23.3.
Variant type: single nucleotide variant.
Coding change: c.605C>T on transcript NM_001197104.2 (MANE Select); coding-DNA position 605, C replaced by T.
Protein change: p.Ser202Leu; replaces serine 202 with leucine.
Molecular consequence: missense variant.
Genome position (GRCh38, 1-based): chr11:118,471,764, C>T. VCF-style: chr11-118471764-C-T. GRCh37 (hg19) VCF-style: chr11-118342479-C-T.
Other names: c.704C>T, p.Ser235Leu (NM_001412597.1); c.605C>T, p.Ser202Leu (NM_005933.4); short protein forms S202L, S235L.
Identifiers: ClinVar variation 3767660 (VCV003767660.2).
Genomic context (GRCh38, chr11:118,471,764, plus strand): 5'-GCTCTGACCGAAATTCAGCTATCCTCTCAGATCCATCTGTGTTTTCCCCTCTAAATAAAT[C>T]AGAGACCAAATCTGGAGATAAGATCAAGAAGAAAGATTCTAAAAGTATAGAAAAGAAGAG-3'
Protein context (NP_001184033.1, residues 192-212): DPSVFSPLNK[Ser202Leu]ETKSGDKIKK